The following is an entry in ClinVar:

ClinVar aggregate classification (germline): Uncertain significance. Review status: criteria provided, multiple submitters, no conflicts (2 of 4 stars). 2 submissions from 2 submitters: Uncertain significance (2). Last evaluated 2025-05-31.

Conditions:
Inborn genetic diseases. Identifiers: MedGen C0950123, MeSH D030342.
Mosaic variegated aneuploidy syndrome 2 (MVA2). Identifiers: Orphanet 1052, MedGen C3279843, MONDO:0013582, OMIM 614114.

Submissions (2):

Ambry Genetics
Classification: Uncertain significance for Inborn genetic diseases. Last evaluated: 2025-05-31. Review status: criteria provided, single submitter. Criteria: Ambry Variant Classification Scheme 2023. Collection method: clinical testing. Allele origin: germline.
Comment: The p.K432N variant (also known as c.1296G>C), located in coding exon 11 of the CEP57 gene, results from a G to C substitution at nucleotide position 1296. The lysine at codon 432 is replaced by asparagine, an amino acid with similar properties. This amino acid position is conserved. In addition, this alteration is predicted to be tolerated by in silico analysis. Based on the available evidence, the clinical significance of this variant remains unclear.

Labcorp Genetics (formerly Invitae), Labcorp
Classification: Uncertain significance for Mosaic variegated aneuploidy syndrome 2. Last evaluated: 2023-04-07. Review status: criteria provided, single submitter. Criteria: Invitae Variant Classification Sherloc (09022015). Collection method: clinical testing. Allele origin: germline.
Comment: In summary, the available evidence is currently insufficient to determine the role of this variant in disease. Therefore, it has been classified as a Variant of Uncertain Significance. Advanced modeling of protein sequence and biophysical properties (such as structural, functional, and spatial information, amino acid conservation, physicochemical variation, residue mobility, and thermodynamic stability) performed at Invitae indicates that this missense variant is not expected to disrupt CEP57 protein function. This variant has not been reported in the literature in individuals affected with CEP57-related conditions. This variant is not present in population databases (gnomAD no frequency). This sequence change replaces lysine, which is basic and polar, with asparagine, which is neutral and polar, at codon 432 of the CEP57 protein (p.Lys432Asn).

NM_014679.5(CEP57):c.1296G>C (p.Lys432Asn)

Gene: CEP57 (centrosomal protein 57; plus strand). Cytogenetic location: 11q21.
Variant type: single nucleotide variant.
Coding change: c.1296G>C on transcript NM_014679.5 (MANE Select); coding-DNA position 1296, G replaced by C.
Protein change: p.Lys432Asn; replaces lysine 432 with asparagine.
Molecular consequence: missense variant.
Genome position (GRCh38, 1-based): chr11:95,831,049, G>C. VCF-style: chr11-95831049-G-C. GRCh37 (hg19) VCF-style: chr11-95564213-G-C.
Other names: c.1296G>C (NM_014679.4); c.1269G>C, p.Lys423Asn (NM_001243776.2); c.1218G>C, p.Lys406Asn (NM_001243777.2); c.1215G>C, p.Lys405Asn (NM_001363604.2); short protein forms K423N, K405N, K406N, K432N.
Identifiers: ClinVar variation 3002545 (VCV003002545.4), dbSNP rs1590962339, ClinGen allele CA382409281.